The following is an entry in ClinVar:

NM_005751.5(AKAP9):c.4222A>T (p.Lys1408Ter)

Gene: AKAP9 (A-kinase anchoring protein 9; plus strand). Cytogenetic location: 7q21.2.
Variant type: single nucleotide variant.
Coding change: c.4222A>T on transcript NM_005751.5 (MANE Select); coding-DNA position 4222, A replaced by T.
Protein change: p.Lys1408Ter; replaces lysine 1408 with a stop codon.
Molecular consequence: nonsense.
Genome position (GRCh38, 1-based): chr7:92,029,968, A>T. VCF-style: chr7-92029968-A-T. GRCh37 (hg19) VCF-style: chr7-91659282-A-T.
Other names: c.4222A>T, p.Lys1408Ter (NM_147185.3); short protein forms K1408*.
Identifiers: ClinVar variation 3673409 (VCV003673409.2).

ClinVar aggregate classification (germline): Uncertain significance (1 of 4 stars; one submission).

Conditions:
Long QT syndrome (LQTS). Identifiers: MedGen C0023976, MeSH D008133, MONDO:0002442. Disease mechanism: loss of function. Inheritance: Various modes of inheritance.

Submission:

Labcorp Genetics (formerly Invitae), Labcorp
Classification: Uncertain significance for Long QT syndrome. Last evaluated: 2024-07-15. Review status: criteria provided, single submitter. Criteria: Invitae Variant Classification Sherloc (09022015). Collection method: clinical testing. Allele origin: germline.
Comment: This sequence change creates a premature translational stop signal (p.Lys1408*) in the AKAP9 gene. It is expected to result in an absent or disrupted protein product. However, the current clinical and genetic evidence is not sufficient to establish whether loss-of-function variants in AKAP9 cause disease. This variant is not present in population databases (gnomAD no frequency). This variant has not been reported in the literature in individuals affected with AKAP9-related conditions. In summary, the available evidence is currently insufficient to determine the role of this variant in disease. Therefore, it has been classified as a Variant of Uncertain Significance.